The following is an entry in ClinVar:

ClinVar aggregate classification (germline): Conflicting classifications of pathogenicity. Review status: criteria provided, conflicting classifications (1 of 4 stars). 3 submissions from 3 submitters: Uncertain significance (2); Likely benign (1). Last evaluated 2024-03-13.

Conditions:
Hereditary cancer-predisposing syndrome. Also called: Neoplastic Syndromes, Hereditary; Tumor predisposition; Hereditary Cancer Syndrome; Hereditary neoplastic syndrome. Identifiers: Orphanet 140162, MedGen C0027672, MeSH D009386, MONDO:0015356.
Hereditary breast ovarian cancer syndrome. Also called: Hereditary breast and ovarian cancer; Hereditary breast and/or ovarian cancer syndrome; BRCA1- and BRCA2-Associated Hereditary Breast and Ovarian Cancer; Hereditary breast and ovarian cancer syndrome (HBOC); Hereditary breast and ovarian cancer syndrome; Breast and ovarian cancer. Identifiers: Orphanet 145, MedGen C0677776, MeSH D061325, MONDO:0003582. Disease mechanism: loss of function.

Allele frequency attached by ClinVar (database versions not stated): gnomAD exomes 0.00001.
gnomAD v4.1: 5 of 1,611,232 alleles (0.00031%); highest among the groups gnomAD compares: African/African-American, 0.0027%; no homozygotes.

Submissions (3):

Labcorp Genetics (formerly Invitae), Labcorp
Classification: Uncertain significance for Hereditary breast ovarian cancer syndrome. Last evaluated: 2024-03-13. Review status: criteria provided, single submitter. Criteria: Invitae Variant Classification Sherloc (09022015). Collection method: clinical testing. Allele origin: germline.
Comment: This sequence change replaces arginine, which is basic and polar, with lysine, which is basic and polar, at codon 468 of the BRCA2 protein (p.Arg468Lys). This variant is not present in population databases (gnomAD no frequency). This variant has not been reported in the literature in individuals affected with BRCA2-related conditions. ClinVar contains an entry for this variant (Variation ID: 186423). Advanced modeling of protein sequence and biophysical properties (such as structural, functional, and spatial information, amino acid conservation, physicochemical variation, residue mobility, and thermodynamic stability) performed at Invitae indicates that this missense variant is not expected to disrupt BRCA2 protein function with a negative predictive value of 95%. In summary, the available evidence is currently insufficient to determine the role of this variant in disease. Therefore, it has been classified as a Variant of Uncertain Significance.

University of Washington Department of Laboratory Medicine, University of Washington
Classification: Likely benign for Hereditary cancer-predisposing syndrome. Last evaluated: 2023-03-23. Review status: criteria provided, single submitter. Criteria: Dines et al. (Genet Med. 2020). Collection method: curation. Allele origin: germline.
Comment: Missense variant in a coldspot region where missense variants are very unlikely to be pathogenic (PMID:31911673).

BRCA2 exon 10 coldspot. Reclassification based on statistical prior probability.

Ambry Genetics
Classification: Uncertain significance for Hereditary cancer-predisposing syndrome. Last evaluated: 2014-10-07. Review status: criteria provided, single submitter. Criteria: Ambry Variant Classification Scheme 2023. Collection method: clinical testing. Allele origin: germline.
Comment: The p.R468K variant (also known as c.1403G>A and 1631G>A), located in coding exon 9 of the BRCA2 gene, results from a G to A substitution at nucleotide position 1403. The arginine at codon 468 is replaced by lysine, an amino acid with highly similar properties. This variant was not reported in population based cohorts in the following databases: Database of Single Nucleotide Polymorphisms (dbSNP), NHLBI Exome Sequencing Project (ESP), and 1000 Genomes Project. In the ESP, this variant was not observed in 6503 samples (13006 alleles) with coverage at this position. To date, this alteration has been detected with an allele frequency of approximately 0.002% (greater than 64000 alleles tested) in our clinical cohort. This amino acid position is not well conserved in available vertebrate species. In addition, this alteration is predicted to be tolerated by in silico analysis. Since supporting evidence is limited at this time, the clinical significance of p.R468K remains unclear.

NM_000059.4(BRCA2):c.1403G>A (p.Arg468Lys)

Gene: BRCA2 (BRCA2 DNA repair associated; plus strand). Cytogenetic location: 13q13.1.
Variant type: single nucleotide variant.
Coding change: c.1403G>A on transcript NM_000059.4 (MANE Select); coding-DNA position 1403, G replaced by A.
Protein change: p.Arg468Lys; replaces arginine 468 with lysine.
Molecular consequence: missense variant.
Genome position (GRCh38, 1-based): chr13:32,332,881, G>A. VCF-style: chr13-32332881-G-A. GRCh37 (hg19) VCF-style: chr13-32907018-G-A.
Other names: short protein forms R468K.
Identifiers: ClinVar variation 186423 (VCV000186423.13), dbSNP rs786202940, ClinGen allele CA011924.